The following is an entry in ClinVar:

NM_001042413.2(GLIS3):c.1177G>A (p.Glu393Lys)

Gene: GLIS3 (GLIS family zinc finger 3; minus strand). Cytogenetic location: 9p24.2.
Variant type: single nucleotide variant.
Coding change: c.1177G>A on transcript NM_001042413.2 (MANE Select); coding-DNA position 1177, G replaced by A.
Protein change: p.Glu393Lys; replaces glutamic acid 393 with lysine.
Molecular consequence: missense variant.
Genome position (GRCh38, 1-based): chr9:4,118,301, C>T on the plus strand (G>A on the coding strand, the complement: GLIS3 is on the minus strand). VCF-style: chr9-4118301-C-T. GRCh37 (hg19) VCF-style: chr9-4118301-C-T.
Other names: c.1177G>A (NM_001042413.1); c.712G>A, p.Glu238Lys (NM_152629.4); short protein forms E238K, E393K.
Identifiers: ClinVar variation 3597416 (VCV003597416.3).

ClinVar aggregate classification (germline): Uncertain significance. Review status: criteria provided, multiple submitters, no conflicts (2 of 4 stars). 2 submissions from 2 submitters: Uncertain significance (2). Last evaluated 2024-03-11.

Conditions:
Neonatal diabetes mellitus with congenital hypothyroidism. Also called: NDH SYNDROME. Identifiers: Orphanet 79118, MedGen C1857775, MONDO:0012436, OMIM 610199.

gnomAD v4.1: 14 of 1,578,832 alleles (0.00089%); highest among the groups gnomAD compares: Middle Eastern, 0.017%; no homozygotes.

Submissions (2):

Fulgent Genetics
Classification: Uncertain significance for Neonatal diabetes mellitus with congenital hypothyroidism. Last evaluated: 2024-03-11. Review status: criteria provided, single submitter. Criteria: ACMG Guidelines, 2015. Collection method: clinical testing. Allele origin: germline.

Genetic Services Laboratory, University of Chicago
Classification: Uncertain significance. Last evaluated: 2023-08-22. Review status: criteria provided, single submitter. Criteria: ACMG Guidelines, 2015. Collection method: clinical testing. Allele origin: germline. Affected: no.
Comment: DNA sequence analysis of the GLIS3 gene demonstrated a sequence change, c.1177G>A, in exon 4 that results in an amino acid change, p.Glu393Lys. This sequence change does not appear to have been previously described in individuals with GLIS3-related disorders. This sequence change has been described in the gnomAD database in 2 individuals which corresponds to an overall population frequency of 0.0009% (dbSNP rs778230145). The p.Glu393Lys change affects a moderately conserved amino acid residue located in a domain of the GLIS3 protein that is not known to be functional. In-silico pathogenicity prediction tools (SIFT, PolyPhen2, Align GVGD, REVEL) provide contradictory results for the p.Glu393Lys substitution. Due to insufficient evidence and the lack of functional studies, the clinical significance of the p.Glu393Lys change remains unknown at this time.